The following is an entry in ClinVar:

NM_001014.5(RPS10):c.89C>T (p.Pro30Leu)

Genes: RPS10 (ribosomal protein S10; minus strand), RPS10-NUDT3 (RPS10-NUDT3 readthrough; minus strand). Cytogenetic location: 6p21.31.
Variant type: single nucleotide variant.
Coding change: c.89C>T on transcript NM_001014.5 (MANE Select); coding-DNA position 89, C replaced by T.
Protein change: p.Pro30Leu; replaces proline 30 with leucine.
Molecular consequence: missense variant.
Genome position (GRCh38, 1-based): chr6:34,425,133, G>A on the plus strand (C>T on the coding strand, the complement: RPS10 is on the minus strand). VCF-style: chr6-34425133-G-A. GRCh37 (hg19) VCF-style: chr6-34392910-G-A.
Other names: c.89C>T (NM_001203245.2, NM_001202470.2); c.89C>T, p.Pro30Leu (NM_001202470.3, NM_001203245.3, NM_001204091.2); short protein forms P30L.
Identifiers: ClinVar variation 997511 (VCV000997511.10), dbSNP rs755445102, ClinGen allele CA3765137.

ClinVar aggregate classification (germline): Uncertain significance. Review status: criteria provided, multiple submitters, no conflicts (2 of 4 stars). 5 submissions from 5 submitters: Uncertain significance (4). 1 of the submissions does not count toward it. Last evaluated 2025-08-22.

Conditions:
Diamond-Blackfan anemia 9 (DBA9). Also called: RPS10-Related Diamond-Blackfan Anemia. Identifiers: Orphanet 124, MedGen C2750081, MONDO:0013216, OMIM 613308.
Diamond-Blackfan anemia. Also called: Blackfan Diamond syndrome; Aregenerative anemia chronic congenital; Red cell aplasia, pure hereditary; Congenital hypoplastic anemia; Aase syndrome. Identifiers: Orphanet 124, MedGen C1260899, MeSH D029503, MONDO:0015253, HP:0004810.
RPS10-related disorder. Also called: RPS10-related condition.

Allele frequency attached by ClinVar (database versions not stated): ExAC 0.00002; gnomAD 0.00003; gnomAD exomes 0.00003 and 0.00005; TOPMed 0.00004.

Submissions (5):

Ambry Genetics
Classification: Uncertain significance. Last evaluated: 2025-08-22. Review status: criteria provided, single submitter. Criteria: Ambry Variant Classification Scheme 2023. Collection method: clinical testing. Allele origin: germline.

Labcorp Genetics (formerly Invitae), Labcorp
Classification: Uncertain significance for Diamond-Blackfan anemia. Last evaluated: 2025-06-12. Review status: criteria provided, single submitter. Criteria: Invitae Variant Classification Sherloc (09022015). Collection method: clinical testing. Allele origin: germline.
Comment: This sequence change replaces proline, which is neutral and non-polar, with leucine, which is neutral and non-polar, at codon 30 of the RPS10 protein (p.Pro30Leu). This variant is present in population databases (rs755445102, gnomAD 0.005%). This variant has not been reported in the literature in individuals affected with RPS10-related conditions. ClinVar contains an entry for this variant (Variation ID: 997511). An algorithm developed to predict the effect of missense changes on protein structure and function (PolyPhen-2) suggests that this variant is likely to be tolerated. In summary, the available evidence is currently insufficient to determine the role of this variant in disease. Therefore, it has been classified as a Variant of Uncertain Significance.

Fulgent Genetics
Classification: Uncertain significance for Diamond-Blackfan anemia 9. Last evaluated: 2022-01-26. Review status: criteria provided, single submitter. Criteria: ACMG Guidelines, 2015. Collection method: clinical testing. Allele origin: unknown.

Baylor Genetics
Classification: Uncertain significance for Diamond-Blackfan anemia 9. Last evaluated: 2019-01-17. Review status: criteria provided, single submitter. Criteria: ACMG Guidelines, 2015. Collection method: clinical testing. Allele origin: paternal. Affected: yes. Study: CSER-TexasKidsCanSeq.
Comment: This variant was determined to be of uncertain significance according to ACMG Guidelines, 2015 [PMID:25741868].

PreventionGenetics, part of Exact Sciences
Classification: Uncertain significance for RPS10-related condition. Last evaluated: 2024-09-03. Review status: no assertion criteria provided. Collection method: clinical testing. Allele origin: germline. Not counted in ClinVar's aggregate classification.
Comment: The RPS10 c.89C>T variant is predicted to result in the amino acid substitution p.Pro30Leu. To our knowledge, this variant has not been reported in the literature. This variant is reported in 0.0053% of alleles in individuals of European (Non-Finnish) descent in gnomAD. At this time, the clinical significance of this variant is uncertain due to the absence of conclusive functional and genetic evidence.